The following is an entry in ClinVar:

NM_001083961.2(WDR62):c.1141C>A (p.His381Asn)

Gene: WDR62 (WD repeat domain 62; plus strand). Cytogenetic location: 19q13.12.
Variant type: single nucleotide variant.
Coding change: c.1141C>A on transcript NM_001083961.2 (MANE Select); coding-DNA position 1141, C replaced by A.
Protein change: p.His381Asn; replaces histidine 381 with asparagine.
Molecular consequence: missense variant. On other transcripts: intron variant (1).
Genome position (GRCh38, 1-based): chr19:36,073,439, C>A. VCF-style: chr19-36073439-C-A. GRCh37 (hg19) VCF-style: chr19-36564341-C-A.
Other names: c.1126C>A, p.His376Asn (NM_001411145.1); c.1141C>A, p.His381Asn (NM_001411146.1, NM_173636.5); c.882+5429C>A (NM_001411147.1); short protein forms H376N, H381N.
Identifiers: ClinVar variation 3776336 (VCV003776336.2).

ClinVar aggregate classification (germline): Likely pathogenic. Review status: criteria provided, multiple submitters, no conflicts (2 of 4 stars). 2 submissions from 2 submitters: Likely pathogenic (2). Last evaluated 2024-10-02.

Conditions:
WDR62-related disorder. Also called: WDR62-related condition.

gnomAD v4.1: 69 of 1,614,000 alleles (0.0043%); highest among the groups gnomAD compares: Non-Finnish European, 0.0057%; no homozygotes.

Submissions (2):

GeneDx
Classification: Likely pathogenic. Last evaluated: 2024-10-02. Review status: criteria provided, single submitter. Criteria: GeneDx Variant Classification Process June 2021. Collection method: clinical testing. Allele origin: germline. Affected: yes.
Comment: Reported with a second variant in a patient wtih pachygyria and microcephaly in literature (Devita D. (2021) FIRENZE UNIVERSITY PRESS); Not observed at significant frequency in large population cohorts (gnomAD); In silico analysis supports that this missense variant has a deleterious effect on protein structure/function; This variant is associated with the following publications: (PMID: Devita2021[thesis])

Blueprint Genetics
Classification: Likely pathogenic for WDR62-related disorders. Last evaluated: 2024-05-20. Review status: criteria provided, single submitter. Criteria: ACMG Guidelines, 2015. Collection method: clinical testing. Allele origin: germline. Affected: yes. Observed: 5 variant alleles.